The following is an entry in ClinVar:

NM_000222.3(KIT):c.2238A>G (p.Ser746=)

Gene: KIT (KIT proto-oncogene, receptor tyrosine kinase; plus strand). Cytogenetic location: 4q12.
Variant type: single nucleotide variant.
Coding change: c.2238A>G on transcript NM_000222.3 (MANE Select); coding-DNA position 2238, A replaced by G.
Protein change: p.Ser746=; no amino-acid change (serine 746 retained).
Molecular consequence: synonymous variant.
Genome position (GRCh38, 1-based): chr4:54,731,875, A>G. VCF-style: chr4-54731875-A-G. GRCh37 (hg19) VCF-style: chr4-55598041-A-G.
Other names: c.2226A>G, p.Ser742= (NM_001093772.2, NM_001385292.1); c.2241A>G, p.Ser747= (NM_001385284.1); c.2235A>G, p.Ser745= (NM_001385285.1); c.2223A>G, p.Ser741= (NM_001385286.1); c.2229A>G, p.Ser743= (NM_001385288.1); c.2238A>G, p.Ser746= (NM_001385290.1).
Identifiers: ClinVar variation 458911 (VCV000458911.14), dbSNP rs1553892658, ClinGen allele CA439291728.

ClinVar aggregate classification (germline): Benign/Likely benign. Review status: criteria provided, multiple submitters, no conflicts (2 of 4 stars). 3 submissions from 3 submitters: Benign (1); Likely benign (2). Last evaluated 2026-06-04.

Conditions:
Hereditary cancer-predisposing syndrome. Also called: Tumor predisposition; Hereditary neoplastic syndrome; Neoplastic Syndromes, Hereditary; Hereditary Cancer Syndrome. Identifiers: Orphanet 140162, MedGen C0027672, MeSH D009386, MONDO:0015356.
Gastrointestinal stromal tumor. Also called: Gastrointestinal stroma tumor; Gastrointestinal stromal tumor, somatic. Identifiers: Orphanet 44890, MedGen C0238198, MeSH D046152, MONDO:0011719, OMIM 606764, HP:0100723.

Allele frequency attached by ClinVar (database versions not stated): gnomAD exomes below 0.00001.
gnomAD v4.1: 4 of 1,613,380 alleles (0.00025%); highest among the groups gnomAD compares: Non-Finnish European, 0.00034%; no homozygotes.

Submissions (3):

Myriad Genetics, Inc.
Classification: Benign for Gastrointestinal stromal tumor. Last evaluated: 2026-06-04. Review status: criteria provided, single submitter. Criteria: Myriad Autosomal Dominant, Autosomal Recessive and X-Linked Classification Criteria (2023). Collection method: clinical testing. Allele origin: unknown.
Comment: This variant is considered benign. This variant is a silent/synonymous amino acid change and it is not expected to impact splicing.

Labcorp Genetics (formerly Invitae), Labcorp
Classification: Likely benign for Gastrointestinal stromal tumor. Last evaluated: 2025-07-08. Review status: criteria provided, single submitter. Criteria: Invitae Variant Classification Sherloc (09022015). Collection method: clinical testing. Allele origin: germline.

Ambry Genetics
Classification: Likely benign for Hereditary cancer-predisposing syndrome. Last evaluated: 2024-04-24. Review status: criteria provided, single submitter. Criteria: Ambry Variant Classification Scheme 2023. Collection method: clinical testing. Allele origin: germline.